The following is an entry in ClinVar:

NM_001374828.1(ARID1B):c.3259A>G (p.Met1087Val)

Gene: ARID1B (AT-rich interaction domain 1B; plus strand). Cytogenetic location: 6q25.3.
Variant type: single nucleotide variant.
Coding change: c.3259A>G on transcript NM_001374828.1 (MANE Select); coding-DNA position 3259, A replaced by G.
Protein change: p.Met1087Val; replaces methionine 1087 with valine.
Molecular consequence: missense variant.
Genome position (GRCh38, 1-based): chr6:157,174,031, A>G. VCF-style: chr6-157174031-A-G. GRCh37 (hg19) VCF-style: chr6-157495165-A-G.
Other names: c.760A>G, p.Met254Val (NM_001363725.2, NM_001438488.1); c.3298A>G, p.Met1100Val (NM_001371656.1, NM_001374820.1); c.3388A>G, p.Met1130Val (NM_001438482.1); c.3301A>G, p.Met1101Val (NM_001438483.1, NM_001438486.1); c.3169A>G, p.Met1057Val (NM_001438485.1); c.3079A>G, p.Met1027Val (NM_001438487.1); c.3259A>G, p.Met1087Val (NM_017519.3); short protein forms M1027V, M1057V, M1087V, M1100V, M1101V, M1130V, M254V.
Identifiers: ClinVar variation 4884924 (VCV004884924.2).
Genomic context (GRCh38, chr6:157,174,031, plus strand): 5'-CATATAATCCTAAACTCTTTCTCCTGTTTTCGATTAGCATCTGTGGGTCTTGCAGATATG[A>G]TGTCTCCTGGTGAATCCAAACTGCCCCTGCCTCTCAAAGCAGACGGCAAAGAAGAAGGCA-3'
Protein context (NP_001361757.1, residues 1077-1097): SAASVGLADM[Met1087Val]SPGESKLPLP

ClinVar aggregate classification (germline): Uncertain significance (1 of 4 stars; one submission).

Submission:

Dasa
Classification: Uncertain significance. Last evaluated: 2025-12-31. Review status: criteria provided, single submitter. Criteria: DASA Assertion Criteria. Collection method: clinical testing. Allele origin: germline.
Comment: NM_001374828.1(ARID1B):c.3259A>G (p.Met1087Val) is a missense variant that results in the substitution of methionine with valine. This variant is rare in population databases. Computational prediction algorithms are consistent with a benign effect. The currently available literature and clinical evidence are not sufficient to establish a definitive association between this variant and the reported condition. Therefore, this variant is classified as a variant of uncertain significance.